The following is an entry in ClinVar:

ClinVar aggregate classification (germline): Likely benign. Review status: criteria provided, multiple submitters, no conflicts (2 of 4 stars). 2 submissions from 2 submitters: Likely benign (2). Last evaluated 2025-11-03.

Conditions:
Hereditary sensory and autonomic neuropathy type 6. Also called: HSAN VI; Neuropathy, hereditary sensory and autonomic, type VI. Identifiers: Orphanet 314381, MedGen C3539003, MONDO:0013839, OMIM 614653.
Epidermolysis bullosa simplex 3, localized or generalized intermediate, with BP230 deficiency (EBS3). Also called: Epidermolysis bullosa simplex, autosomal recessive 2; Epidermolysis bullosa simplex due to BP230 deficiency. Identifiers: Orphanet 412181, MedGen C3809470, MONDO:0014180, OMIM 615425.
DST-related disorder. Also called: DST-related condition; DST-related disorders.

Allele frequency attached by ClinVar (database versions not stated): gnomAD 0.00011; TOPMed 0.00011.
gnomAD v4.1: 25 of 1,551,712 alleles (0.0016%); highest among the groups gnomAD compares: African/African-American, 0.029%; no homozygotes.

Submissions (2):

Labcorp Genetics (formerly Invitae), Labcorp
Classification: Likely benign for Epidermolysis bullosa simplex 3, localized or generalized intermediate, with BP230 deficiency; Hereditary sensory and autonomic neuropathy type 6. Last evaluated: 2025-11-03. Review status: criteria provided, single submitter. Criteria: Invitae Variant Classification Sherloc (09022015). Collection method: clinical testing. Allele origin: germline.

PreventionGenetics, part of Exact Sciences
Classification: Likely benign for DST-related condition. Last evaluated: 2025-03-11. Review status: criteria provided, single submitter. Criteria: ACMG Guidelines, 2015. Collection method: clinical testing. Allele origin: germline.
Comment: This variant is classified as likely benign based on ACMG/AMP sequence variant interpretation guidelines (Richards et al. 2015 PMID: 25741868, with internal and published modifications).

NM_001374736.1(DST):c.14052A>G (p.Glu4684=)

Gene: DST (dystonin; minus strand). Cytogenetic location: 6p12.1.
Variant type: single nucleotide variant.
Coding change: c.14052A>G on transcript NM_001374736.1 (MANE Select); coding-DNA position 14052, A replaced by G.
Protein change: p.Glu4684=; no amino-acid change (glutamic acid 4684 retained).
Molecular consequence: synonymous variant.
Genome position (GRCh38, 1-based): chr6:56,562,154, T>C on the plus strand (A>G on the coding strand, the complement: DST is on the minus strand). VCF-style: chr6-56562154-T-C. GRCh37 (hg19) VCF-style: chr6-56426952-T-C.
Other names: c.7695A>G, p.Glu2565= (NM_001144769.5); c.7281A>G, p.Glu2427= (NM_001144770.2); c.14052A>G, p.Glu4684= (NM_001374722.1); c.13419A>G, p.Glu4473= (NM_001374729.1); c.7161A>G, p.Glu2387= (NM_001374730.1, NM_001386100.1, NM_183380.4); c.14079A>G, p.Glu4693= (NM_001374734.1); c.6183A>G, p.Glu2061= (NM_015548.5); c.7695A>G (NM_001144769.2).
Identifiers: ClinVar variation 1087479 (VCV001087479.10), dbSNP rs7739398, ClinGen allele CA3868114.